The following is an entry in ClinVar:

ClinVar aggregate classification (germline): Uncertain significance (1 of 4 stars; one submission).

Conditions:
Microcephaly-intellectual disability-sensorineural hearing loss-epilepsy-abnormal muscle tone syndrome (NEDHSB). Also called: NEURODEVELOPMENTAL DISORDER WITH HEARING LOSS, SEIZURES, AND BRAIN ABNORMALITIES. Identifiers: Orphanet 457351, MedGen C4225276, MONDO:0014698, OMIM 616577.

Allele frequency attached by ClinVar (database versions not stated): ExAC 0.00001.
gnomAD v4.1: 2 of 1,613,986 alleles (0.00012%); highest among the groups gnomAD compares: Non-Finnish European, 0.00017%; no homozygotes.

Submission:

Labcorp Genetics (formerly Invitae), Labcorp
Classification: Uncertain significance for Microcephaly-intellectual disability-sensorineural hearing loss-epilepsy-abnormal muscle tone syndrome. Last evaluated: 2022-03-24. Review status: criteria provided, single submitter. Criteria: Invitae Variant Classification Sherloc (09022015). Collection method: clinical testing. Allele origin: germline.
Comment: This variant has not been reported in the literature in individuals affected with SPATA5-related conditions. This variant is present in population databases (rs767867303, gnomAD 0.0009%). This sequence change replaces isoleucine, which is neutral and non-polar, with valine, which is neutral and non-polar, at codon 337 of the SPATA5 protein (p.Ile337Val). In summary, the available evidence is currently insufficient to determine the role of this variant in disease. Therefore, it has been classified as a Variant of Uncertain Significance. Algorithms developed to predict the effect of missense changes on protein structure and function output the following: SIFT: "Tolerated"; PolyPhen-2: "Benign"; Align-GVGD: "Class C0". The valine amino acid residue is found in multiple mammalian species, which suggests that this missense change does not adversely affect protein function.

NM_145207.3(AFG2A):c.1009A>G (p.Ile337Val)

Gene: AFG2A (AAA ATPase AFG2A; plus strand). Cytogenetic location: 4q28.1.
Variant type: single nucleotide variant.
Coding change: c.1009A>G on transcript NM_145207.3 (MANE Select); coding-DNA position 1009, A replaced by G.
Protein change: p.Ile337Val; replaces isoleucine 337 with valine.
Molecular consequence: missense variant.
Genome position (GRCh38, 1-based): chr4:122,934,600, A>G. VCF-style: chr4-122934600-A-G. GRCh37 (hg19) VCF-style: chr4-123855755-A-G.
Other names: c.1006A>G, p.Ile336Val (NM_001345856.2, NM_001317799.2); short protein forms I337V, I336V.
Identifiers: ClinVar variation 2116524 (VCV002116524.3), dbSNP rs767867303, ClinGen allele CA3070348.